The following is an entry in ClinVar:

NM_001366282.2(GOLGB1):c.6668C>T (p.Ala2223Val)

Gene: GOLGB1 (golgin B1; minus strand). Cytogenetic location: 3q13.33.
Variant type: single nucleotide variant.
Coding change: c.6668C>T on transcript NM_001366282.2 (MANE Select); coding-DNA position 6668, C replaced by T.
Protein change: p.Ala2223Val; replaces alanine 2223 with valine.
Molecular consequence: missense variant.
Genome position (GRCh38, 1-based): chr3:121,693,855, G>A on the plus strand (C>T on the coding strand, the complement: GOLGB1 is on the minus strand). VCF-style: chr3-121693855-G-A. GRCh37 (hg19) VCF-style: chr3-121412702-G-A.
Other names: NC_000003.11:g.121412702G>A; c.6668C>T, p.Ala2223Val (NM_001256486.2); c.6551C>T, p.Ala2184Val (NM_001256487.2); c.6428C>T, p.Ala2143Val (NM_001256488.2, NM_001366284.2); c.6545C>T, p.Ala2182Val (NM_001366283.2); c.6533C>T, p.Ala2178Val (NM_001389631.1); c.6653C>T, p.Ala2218Val (NM_004487.5); short protein forms A2143V, A2178V, A2182V, A2184V, A2218V, A2223V.
Identifiers: ClinVar variation 3770443 (VCV003770443.14).

ClinVar aggregate classification (germline): Benign (1 of 4 stars; one submission).

gnomAD v4.1: 18,867 of 1,612,970 alleles (1.2%); highest among the groups gnomAD compares: Non-Finnish European, 1.4%; 151 homozygotes.

Submissions (5):

CeGaT Center for Human Genetics Tuebingen
Classification: Benign. Last evaluated: 2025-02-01. Review status: criteria provided, single submitter. Criteria: CeGaT Center For Human Genetics Tuebingen Variant Classification Criteria Version 2. Collection method: clinical testing. Allele origin: germline. Affected: yes. Observed: 1 variant allele.
Comment: GOLGB1: BP4, BS1, BS2

Dr. Peter K. Rogan Lab, Western University
No classification provided (evidence only). Condition: Clear cell carcinoma of kidney. Review status: no classification provided. Collection method: in vitro. Allele origin: not applicable. Functional consequence: retained intron. Not counted in ClinVar's aggregate classification.

Dr. Peter K. Rogan Lab, Western University
No classification provided (evidence only). Condition: Uterine corpus endometrial carcinoma. Review status: no classification provided. Collection method: in vitro. Allele origin: not applicable. Functional consequence: retained intron. Not counted in ClinVar's aggregate classification.

Dr. Peter K. Rogan Lab, Western University
No classification provided (evidence only). Condition: Cervical cancer. Review status: no classification provided. Collection method: in vitro. Allele origin: not applicable. Functional consequence: retained intron. Not counted in ClinVar's aggregate classification.

Dr. Peter K. Rogan Lab, Western University
No classification provided (evidence only). Condition: Hepatocellular carcinoma. Review status: no classification provided. Collection method: in vitro. Allele origin: not applicable. Functional consequence: retained intron. Not counted in ClinVar's aggregate classification.